The following is an entry in ClinVar:

ClinVar aggregate classification (germline): Likely pathogenic. Review status: criteria provided, single submitter (1 of 4 stars). 3 submissions from 3 submitters: Likely pathogenic (1). 2 of the submissions do not count toward it. Last evaluated 2016-12-07.

Conditions:
Methylmalonic aciduria and homocystinuria, cb1L type. Also called: METHYLMALONIC ACIDURIA AND HOMOCYSTINURIA, cblL TYPE. Identifiers: MedGen C5975387, MONDO:0975798, OMIM 620940.
Disorders of Intracellular Cobalamin Metabolism. Identifiers: MedGen CN043592.
Methylmalonic acidemia with homocystinuria, type cblX (MAHCX). Also called: INTELLECTUAL DEVELOPMENTAL DISORDER, X-LINKED 3. Identifiers: Orphanet 369962, MedGen C0796208, MONDO:0010657, OMIM 309541.

Submissions (3):

Shaikh Laboratory, University of Colorado
Classification: Likely pathogenic for Methylmalonic acidemia with homocystinuria, type cblX. Last evaluated: 2016-12-07. Review status: criteria provided, single submitter. Criteria: ACMG Guidelines, 2015. Collection method: research. Allele origin: germline. Inheritance: Autosomal recessive inheritance. Affected: yes. Observed: 1 variant allele, 1 homozygote.
Comment: Using ACMG standards and guidelines for the interpretation of sequence variants (PMID: 25741868). PS3, PM2 PP2, PP3.

OMIM
Classification: Pathogenic for METHYLMALONIC ACIDURIA AND HOMOCYSTINURIA, cblL TYPE (1 patient). Last evaluated: 2024-12-04. Review status: no assertion criteria provided. Collection method: literature only. Allele origin: germline. Not counted in ClinVar's aggregate classification.

GeneReviews
No classification provided. Condition: Disorders of Intracellular Cobalamin Metabolism. Review status: no classification provided. Collection method: literature only. Allele origin: germline. Not counted in ClinVar's aggregate classification.

Literature cited by the submitters: PubMed 28449119 (cited by OMIM and GeneReviews); PubMed 31905202 (cited by OMIM).

NM_020457.3(THAP11):c.240C>G (p.Phe80Leu)

Genes: CENPT (centromere protein T; minus strand), THAP11 (THAP domain containing 11; plus strand). Cytogenetic location: 16q22.1.
Variant type: single nucleotide variant.
Coding change: c.240C>G on transcript NM_020457.3 (MANE Select); coding-DNA position 240, C replaced by G.
Protein change: p.Phe80Leu; replaces phenylalanine 80 with leucine.
Molecular consequence: missense variant. On other transcripts: intron variant (1).
Genome position (GRCh38, 1-based): chr16:67,842,794, C>G. VCF-style: chr16-67842794-C-G. GRCh37 (hg19) VCF-style: chr16-67876697-C-G.
Other names: c.-492+4607G>C (NM_025082.4); short protein forms F80L.
Identifiers: ClinVar variation 393304 (VCV000393304.6), dbSNP rs188675529, ClinGen allele CA396396088.